The following is an entry in ClinVar:

NM_005334.3(HCFC1):c.5418G>A (p.Met1806Ile)

Gene: HCFC1 (host cell factor C1; minus strand). Cytogenetic location: Xq28.
Variant type: single nucleotide variant.
Coding change: c.5418G>A on transcript NM_005334.3 (MANE Select); coding-DNA position 5418, G replaced by A.
Protein change: p.Met1806Ile; replaces methionine 1806 with isoleucine.
Molecular consequence: missense variant.
Genome position (GRCh38, 1-based): chrX:153,951,449, C>T on the plus strand (G>A on the coding strand, the complement: HCFC1 is on the minus strand). VCF-style: chrX-153951449-C-T. GRCh37 (hg19) VCF-style: chrX-153216900-C-T.
Other names: short protein forms M1806I.
Identifiers: ClinVar variation 376762 (VCV000376762.24), dbSNP rs199511876, ClinGen allele CA10556773.

ClinVar aggregate classification (germline): Benign/Likely benign. Review status: criteria provided, multiple submitters, no conflicts (2 of 4 stars). 8 submissions from 8 submitters: Benign (2); Likely benign (3). 3 of the submissions do not count toward it. Last evaluated 2026-02-02.

Conditions:
Methylmalonic acidemia with homocystinuria, type cblX (MAHCX). Also called: INTELLECTUAL DEVELOPMENTAL DISORDER, X-LINKED 3. Identifiers: Orphanet 369962, MedGen C0796208, MONDO:0010657, OMIM 309541.
HCFC1-related disorder. Also called: HCFC1-related condition.

Allele frequency attached by ClinVar (database versions not stated): 1000 Genomes Project 30x 0.00021; 1000 Genomes Project 0.00053; gnomAD exomes 0.00074 and 0.00106; TOPMed 0.00092; gnomAD 0.00094 and 0.00096; ExAC 0.00095; ESP Exome Variant Server 0.00160.

Submissions (8):

Labcorp Genetics (formerly Invitae), Labcorp
Classification: Benign for Methylmalonic acidemia with homocystinuria, type cblX. Last evaluated: 2026-02-02. Review status: criteria provided, single submitter. Criteria: Invitae Variant Classification Sherloc (09022015). Collection method: clinical testing. Allele origin: germline.

Fulgent Genetics
Classification: Likely benign for Methylmalonic acidemia with homocystinuria, type cblX. Last evaluated: 2021-08-05. Review status: criteria provided, single submitter. Criteria: ACMG Guidelines, 2015. Collection method: clinical testing. Allele origin: unknown.

GeneDx
Classification: Likely benign. Last evaluated: 2018-06-18. Review status: criteria provided, single submitter. Criteria: GeneDx Variant Classification Process June 2021. Collection method: clinical testing. Allele origin: germline. Affected: yes.

Center for Pediatric Genomic Medicine, Children's Mercy Hospital and Clinics
Classification: Benign. Last evaluated: 2016-07-22. Review status: criteria provided, single submitter. Criteria: ACMG Guidelines, 2015. Collection method: clinical testing. Allele origin: germline.

Breakthrough Genomics
Classification: Likely benign. Review status: criteria provided, single submitter. Criteria: ACMG Guidelines, 2015. Collection method: not provided. Allele origin: germline. Inheritance: X-linked inheritance. Affected: yes.

PreventionGenetics, part of Exact Sciences
Classification: Likely benign for HCFC1-related condition. Last evaluated: 2022-09-28. Review status: no assertion criteria provided. Collection method: clinical testing. Allele origin: germline. Not counted in ClinVar's aggregate classification.
Comment: This variant is classified as likely benign based on ACMG/AMP sequence variant interpretation guidelines (Richards et al. 2015 PMID: 25741868, with internal and published modifications).

Clinical Genetics DNA and cytogenetics Diagnostics Lab, Erasmus MC, Erasmus Medical Center
Classification: Likely benign. Review status: no assertion criteria provided. Collection method: clinical testing. Allele origin: germline. Affected: yes. Study: VKGL Data-share Consensus. Not counted in ClinVar's aggregate classification.

Diagnostic Laboratory, Department of Genetics, University Medical Center Groningen
Classification: Likely benign. Review status: no assertion criteria provided. Collection method: clinical testing. Allele origin: germline. Affected: yes. Study: VKGL Data-share Consensus. Not counted in ClinVar's aggregate classification.